The following is an entry in ClinVar:

ClinVar aggregate classification (germline): Benign. Review status: criteria provided, multiple submitters, no conflicts (2 of 4 stars). 3 submissions from 3 submitters: Benign (2). 1 of the submissions does not count toward it. Last evaluated 2021-06-10.

Conditions:
NLRP14-related disorder. Also called: NLRP14-related condition.

Allele frequency attached by ClinVar (database versions not stated): 1000 Genomes Project 0.09625; 1000 Genomes Project 30x 0.09775; gnomAD exomes 0.14817; ExAC 0.14996; gnomAD 0.15030 and 0.15385; ESP Exome Variant Server 0.17008.
gnomAD v4.1: 307,050 of 1,613,480 alleles (19%); highest among the groups gnomAD compares: Non-Finnish European, 22%; 31,931 homozygotes.

Submissions (3):

GeneDx
Classification: Benign. Last evaluated: 2021-06-10. Review status: criteria provided, single submitter. Criteria: GeneDx Variant Classification Process June 2021. Collection method: clinical testing. Allele origin: germline. Affected: yes.

Breakthrough Genomics
Classification: Benign. Review status: criteria provided, single submitter. Criteria: ACMG Guidelines, 2015. Collection method: not provided. Allele origin: germline. Inheritance: Unknown mechanism. Affected: yes.

PreventionGenetics, part of Exact Sciences
Classification: Benign for NLRP14-related condition. Last evaluated: 2019-10-21. Review status: no assertion criteria provided. Collection method: clinical testing. Allele origin: germline. Not counted in ClinVar's aggregate classification.
Comment: This variant is classified as benign based on ACMG/AMP sequence variant interpretation guidelines (Richards et al. 2015 PMID: 25741868, with internal and published modifications).

NM_176822.4(NLRP14):c.164G>A (p.Arg55Gln)

Gene: NLRP14 (NLR family pyrin domain containing 14; plus strand). Cytogenetic location: 11p15.4.
Variant type: single nucleotide variant.
Coding change: c.164G>A on transcript NM_176822.4 (MANE Select); coding-DNA position 164, G replaced by A.
Protein change: p.Arg55Gln; replaces arginine 55 with glutamine.
Molecular consequence: missense variant.
Genome position (GRCh38, 1-based): chr11:7,038,750, G>A. VCF-style: chr11-7038750-G-A. GRCh37 (hg19) VCF-style: chr11-7059981-G-A.
Other names: short protein forms R55Q.
Identifiers: ClinVar variation 1245032 (VCV001245032.5), dbSNP rs61063081, ClinGen allele CA5864489.